The following is an entry in ClinVar:

NM_004360.5(CDH1):c.989C>T (p.Thr330Ile)

Gene: CDH1 (cadherin 1; plus strand). Cytogenetic location: 16q22.1.
Variant type: single nucleotide variant.
Coding change: c.989C>T on transcript NM_004360.5 (MANE Select); coding-DNA position 989, C replaced by T.
Protein change: p.Thr330Ile; replaces threonine 330 with isoleucine.
Molecular consequence: missense variant. On other transcripts: 5 prime UTR variant (2).
Genome position (GRCh38, 1-based): chr16:68,811,840, C>T. VCF-style: chr16-68811840-C-T. GRCh37 (hg19) VCF-style: chr16-68845743-C-T.
Other names: c.989C>T, p.Thr330Ile (NM_001317184.2); c.-627C>T (NM_001317185.2); c.-831C>T (NM_001317186.2); c.989C>T (LRG_301t1); short protein forms T330I.
Identifiers: ClinVar variation 418843 (VCV000418843.19), dbSNP rs755371143, ClinGen allele CA8129957.
Genomic context (GRCh38, chr16:68,811,840, plus strand): 5'-AGCTCCCTGACAAAAATATGTTCACCATTAACAGGAACACAGGAGTCATCAGTGTGGTCA[C>T]CACTGGGCTGGACCGAGAGGTCAGGGGTCAGGAGGATCCAGAGGGTGTGGAGGACAAATG-3'
Protein context (NP_004351.1, residues 320-340): NRNTGVISVV[Thr330Ile]TGLDRESFPT

ClinVar aggregate classification (germline): Conflicting classifications of pathogenicity. Review status: criteria provided, conflicting classifications (1 of 4 stars). 6 submissions from 6 submitters: Uncertain significance (5); Likely benign (1). Last evaluated 2026-07-30.

Conditions:
Hereditary diffuse gastric adenocarcinoma (HDGC). Also called: DIFFUSE GASTRIC AND LOBULAR BREAST CANCER SYNDROME. Identifiers: Orphanet 26106, MedGen C1708349, MONDO:0007648, OMIM 137215.
Hereditary cancer-predisposing syndrome. Also called: Neoplastic Syndromes, Hereditary; Hereditary Cancer Syndrome; Tumor predisposition; Hereditary neoplastic syndrome. Identifiers: Orphanet 140162, MedGen C0027672, MeSH D009386, MONDO:0015356.

Allele frequency attached by ClinVar (database versions not stated): gnomAD exomes below 0.00001; ExAC 0.00002.

Submissions (6):

Ambry Genetics
Classification: Likely benign for Hereditary cancer-predisposing syndrome. Last evaluated: 2026-07-30. Review status: criteria provided, single submitter. Criteria: Ambry Variant Classification Scheme 2023. Collection method: clinical testing. Allele origin: germline.

Labcorp Genetics (formerly Invitae), Labcorp
Classification: Uncertain significance for Hereditary diffuse gastric adenocarcinoma. Last evaluated: 2025-08-13. Review status: criteria provided, single submitter. Criteria: Invitae Variant Classification Sherloc (09022015). Collection method: clinical testing. Allele origin: germline.
Comment: This sequence change replaces threonine, which is neutral and polar, with isoleucine, which is neutral and non-polar, at codon 330 of the CDH1 protein (p.Thr330Ile). This variant is present in population databases (rs755371143, gnomAD 0.003%). This variant has not been reported in the literature in individuals affected with CDH1-related conditions. ClinVar contains an entry for this variant (Variation ID: 418843). An algorithm developed to predict the effect of missense changes on protein structure and function (PolyPhen-2) suggests that this variant is likely to be tolerated. In summary, the available evidence is currently insufficient to determine the role of this variant in disease. Therefore, it has been classified as a Variant of Uncertain Significance.

Quest Diagnostics Nichols Institute San Juan Capistrano
Classification: Uncertain significance. Last evaluated: 2025-07-03. Review status: criteria provided, single submitter. Criteria: Quest Diagnostics criteria. Collection method: clinical testing. Allele origin: unknown.
Comment: The CDH1 c.989C>T (p.Thr330Ile) variant has been reported in the published literature in a reportedly unaffected individual (PMID: 33471991 (2021), see also LOVD). The frequency of this variant in the general population (Genome Aggregation Database) is uninformative in the assessment of its pathogenicity. Analysis of this variant using bioinformatics tools for the prediction of the effect of amino acid changes on protein structure and function yielded conflicting predictions that this variant is benign or damaging. Based on the available information, we are unable to determine the clinical significance of this variant.

Molecular Pathology, Peter Maccallum Cancer Centre
Classification: Uncertain significance for Hereditary diffuse gastric adenocarcinoma. Last evaluated: 2024-07-22. Review status: criteria provided, single submitter. Criteria: ACMG Guidelines, 2015. Collection method: clinical testing. Allele origin: germline. Inheritance: Autosomal dominant inheritance.

Color Diagnostics, LLC DBA Color Health
Classification: Uncertain significance for Hereditary cancer-predisposing syndrome. Last evaluated: 2018-11-12. Review status: criteria provided, single submitter. Criteria: ACMG Guidelines, 2015. Collection method: clinical testing. Allele origin: germline.

GeneDx
Classification: Uncertain significance. Last evaluated: 2018-04-19. Review status: criteria provided, single submitter. Criteria: GeneDx Variant Classification (06012015). Collection method: clinical testing. Allele origin: germline. Affected: yes.
Comment: This variant is denoted CDH1 c.989C>T at the cDNA level, p.Thr330Ile (T330I) at the protein level, and results in the change of a Threonine to an Isoleucine (ACC>ATC). This variant has been identified in a lobular carcinoma in situ (LCIS) specimen, but has not, to our knowledge, been published in the literature as either a germline pathogenic variant or a benign polymorphism (Mastracci 2005). CDH1 Thr330Ile was not observed at a significant allele frequency in large population cohorts (Lek 2016). CDH1 Thr330Ile is located in the Cadherin 2 domain within the Extracellular domain (Brooks-Wilson 2004, Figueiredo 2013). In silico analysis, which includes protein predictors and evolutionary conservation, supports that this variant does not alter protein structure/function. Based on currently available information, it is unclear whether CDH1 Thr330Ile is pathogenic or benign. We consider it to be a variant of uncertain significance.

Literature cited by the submitters: PubMed 33471991 (cited by Quest Diagnostics Nichols Institute San Juan Capistrano).